The following is an entry in ClinVar:

NM_001164508.2(NEB):c.11199T>C (p.Ala3733=)

Gene: NEB (nebulin; minus strand). Cytogenetic location: 2q23.3.
Variant type: single nucleotide variant.
Coding change: c.11199T>C on transcript NM_001164508.2 (MANE Select); coding-DNA position 11199, T replaced by C.
Protein change: p.Ala3733=; no amino-acid change (alanine 3733 retained).
Molecular consequence: synonymous variant.
Genome position (GRCh38, 1-based): chr2:151,616,092, A>G on the plus strand (T>C on the coding strand, the complement: NEB is on the minus strand). VCF-style: chr2-151616092-A-G. GRCh37 (hg19) VCF-style: chr2-152472606-A-G.
Other names: c.11199T>C, p.Ala3733= (NM_001164507.2, NM_001271208.2); c.10470T>C, p.Ala3490= (NM_004543.5).
Identifiers: ClinVar variation 534079 (VCV000534079.35), dbSNP rs756871030, ClinGen allele CA1908810.
Genomic context (GRCh38, chr2:151,616,092, plus strand): 5'-TGCTTGGATTGGAATGGCATCCAGACGCAAGTCATAGCCTTCCTTCTTGGACTCTTCCAA[A>G]GCAAGTTTATAGAGTTTCTGTAGAAAAGAAAGTCATTACTCATTTACTCCTTCCATAAAA-3'
Protein context (NP_001157980.2, residues 3723-3743): INYSDKLYKL[Ala3733=]LEESKKEGYD

ClinVar aggregate classification (germline): Likely benign. Review status: criteria provided, multiple submitters, no conflicts (2 of 4 stars). 2 submissions from 2 submitters: Likely benign (2). Last evaluated 2025-06-11.

Conditions:
Nemaline myopathy 2 (NEM2). Also called: Nemaline myopathy 2, autosomal recessive. Identifiers: MedGen C1850569, MONDO:0009725, OMIM 256030.

Allele frequency attached by ClinVar (database versions not stated): gnomAD exomes 0.00002 and 0.00004; TOPMed 0.00002; ExAC 0.00004; gnomAD 0.00006.
gnomAD v4.1: 40 of 1,612,000 alleles (0.0025%); highest among the groups gnomAD compares: Non-Finnish European, 0.0031%; no homozygotes.

Submissions (2):

Labcorp Genetics (formerly Invitae), Labcorp
Classification: Likely benign for Nemaline myopathy 2. Last evaluated: 2025-06-11. Review status: criteria provided, single submitter. Criteria: Invitae Variant Classification Sherloc (09022015). Collection method: clinical testing. Allele origin: germline.

CeGaT Center for Human Genetics Tuebingen
Classification: Likely benign. Last evaluated: 2022-06-01. Review status: criteria provided, single submitter. Criteria: CeGaT Center For Human Genetics Tuebingen Variant Classification Criteria Version 2. Collection method: clinical testing. Allele origin: germline. Affected: yes. Observed: 1 variant allele.
Comment: NEB: BP4, BP7